The following is an entry in ClinVar:

NM_181882.3(PRX):c.2353A>G (p.Lys785Glu)

Gene: PRX (periaxin; minus strand). Cytogenetic location: 19q13.2.
Variant type: single nucleotide variant.
Coding change: c.2353A>G on transcript NM_181882.3 (MANE Select); coding-DNA position 2353, A replaced by G.
Protein change: p.Lys785Glu; replaces lysine 785 with glutamic acid.
Molecular consequence: missense variant. On other transcripts: 3 prime UTR variant (1).
Genome position (GRCh38, 1-based): chr19:40,395,999, T>C on the plus strand (A>G on the coding strand, the complement: PRX is on the minus strand). VCF-style: chr19-40395999-T-C. GRCh37 (hg19) VCF-style: chr19-40901906-T-C.
Other names: c.*2558A>G (NM_020956.2); short protein forms K785E.
Identifiers: ClinVar variation 572407 (VCV000572407.8), dbSNP rs780270731, ClinGen allele CA9444068.

ClinVar aggregate classification (germline): Uncertain significance (1 of 4 stars; one submission).

Conditions:
Charcot-Marie-Tooth disease type 4. Also called: Charcot-Marie-Tooth disease, type IV; Charcot-Marie-Tooth, Type 4. Identifiers: Orphanet 64749, MedGen C4082197, MONDO:0018995.

Allele frequency attached by ClinVar (database versions not stated): gnomAD exomes below 0.00001; ExAC 0.00001; gnomAD 0.00001.
gnomAD v4.1: 6 of 1,613,950 alleles (0.00037%); highest among the groups gnomAD compares: Non-Finnish European, 0.000085%; no homozygotes.

Submission:

Labcorp Genetics (formerly Invitae), Labcorp
Classification: Uncertain significance for Charcot-Marie-Tooth disease type 4. Last evaluated: 2022-03-19. Review status: criteria provided, single submitter. Criteria: Invitae Variant Classification Sherloc (09022015). Collection method: clinical testing. Allele origin: germline.
Comment: In summary, the available evidence is currently insufficient to determine the role of this variant in disease. Therefore, it has been classified as a Variant of Uncertain Significance. Algorithms developed to predict the effect of missense changes on protein structure and function are either unavailable or do not agree on the potential impact of this missense change (SIFT: "Tolerated"; PolyPhen-2: "Possibly Damaging"; Align-GVGD: "Class C0"). ClinVar contains an entry for this variant (Variation ID: 572407). This variant has not been reported in the literature in individuals affected with PRX-related conditions. This variant is present in population databases (rs780270731, gnomAD 0.006%). This sequence change replaces lysine, which is basic and polar, with glutamic acid, which is acidic and polar, at codon 785 of the PRX protein (p.Lys785Glu).